The following is an entry in ClinVar:

ClinVar aggregate classification (germline): Uncertain significance. Review status: criteria provided, multiple submitters, no conflicts (2 of 4 stars). 3 submissions from 3 submitters: Uncertain significance (3). Last evaluated 2026-01-18.

Conditions:
Hypertrophic cardiomyopathy. Also called: HYPERTROPHIC MYOCARDIOPATHY. Identifiers: Orphanet 217569, MedGen C0007194, MeSH D002312, MONDO:0005045, HP:0001639.
Cardiomyopathy (CMYO). Also called: Cardiomyopathies. Identifiers: Orphanet 167848, MedGen C0878544, MONDO:0004994, HP:0001638. Inheritance: Various modes of inheritance.

Allele frequency attached by ClinVar (database versions not stated): TOPMed below 0.00001.
gnomAD v4.1: 1 of 1,614,090 alleles (0.000062%); highest among the groups gnomAD compares: Non-Finnish European, 0.000085%; no homozygotes.

Submissions (3):

Labcorp Genetics (formerly Invitae), Labcorp
Classification: Uncertain significance for Hypertrophic cardiomyopathy. Last evaluated: 2026-01-18. Review status: criteria provided, single submitter. Criteria: Invitae Variant Classification Sherloc (09022015). Collection method: clinical testing. Allele origin: germline.
Comment: This sequence change replaces glutamic acid, which is acidic and polar, with glutamine, which is neutral and polar, at codon 1013 of the MYH7 protein (p.Glu1013Gln). This variant is not present in population databases (gnomAD no frequency). This variant has not been reported in the literature in individuals affected with MYH7-related conditions. ClinVar contains an entry for this variant (Variation ID: 454363). Invitae Evidence Modeling of protein sequence and biophysical properties (such as structural, functional, and spatial information, amino acid conservation, physicochemical variation, residue mobility, and thermodynamic stability) indicates that this missense variant is expected to disrupt MYH7 protein function with a positive predictive value of 95%. In summary, the available evidence is currently insufficient to determine the role of this variant in disease. Therefore, it has been classified as a Variant of Uncertain Significance.

Color Diagnostics, LLC DBA Color Health
Classification: Uncertain significance for Cardiomyopathy. Last evaluated: 2025-07-01. Review status: criteria provided, single submitter. Criteria: ACMG Guidelines, 2015. Collection method: clinical testing. Allele origin: germline.
Comment: This missense variant replaces glutamic acid with glutamine at codon 1013 of the MYH7 protein. Computational prediction is inconclusive regarding the impact of this variant on protein structure and function. To our knowledge, functional studies have not been reported for this variant. This variant has not been reported in individuals affected with MYH7-related disorders in the literature. This variant has not been identified in the general population by the Genome Aggregation Database (gnomAD). The available evidence is insufficient to determine the role of this variant in disease conclusively. Therefore, this variant is classified as a Variant of Uncertain Significance.

All of Us Research Program, National Institutes of Health
Classification: Uncertain significance for Cardiomyopathy. Last evaluated: 2023-06-28. Review status: criteria provided, single submitter. Criteria: ACMG Guidelines, 2015. Collection method: clinical testing. Allele origin: germline. Inheritance: Autosomal dominant inheritance. Observed: 2 variant alleles, 2 heterozygotes.
Comment: This missense variant replaces glutamic acid with glutamine at codon 1013 of the MYH7 protein. Computational prediction is inconclusive regarding the impact of this variant on protein structure and function (internally defined REVEL score threshold 0.5 < inconclusive < 0.7, PMID: 27666373). To our knowledge, functional studies have not been reported for this variant. This variant has not been reported in individuals affected with MYH7-related disorders in the literature. This variant has not been identified in the general population by the Genome Aggregation Database (gnomAD). The available evidence is insufficient to determine the role of this variant in disease conclusively. Therefore, this variant is classified as a Variant of Uncertain Significance.

This study involves interpretation of variants in research participants for the purpose of population health screening. Participant phenotype was not available at the time of variant classification. Additional details can be found in publication PMID: 35346344, PMCID: PMC8962531

NM_000257.4(MYH7):c.3037G>C (p.Glu1013Gln)

Gene: MYH7 (myosin heavy chain 7; minus strand). Cytogenetic location: 14q11.2.
Variant type: single nucleotide variant.
Coding change: c.3037G>C on transcript NM_000257.4 (MANE Select); coding-DNA position 3037, G replaced by C.
Protein change: p.Glu1013Gln; replaces glutamic acid 1013 with glutamine.
Molecular consequence: missense variant.
Genome position (GRCh38, 1-based): chr14:23,423,609, C>G on the plus strand (G>C on the coding strand, the complement: MYH7 is on the minus strand). VCF-style: chr14-23423609-C-G. GRCh37 (hg19) VCF-style: chr14-23892818-C-G.
Other names: short protein forms E1013Q.
Identifiers: ClinVar variation 454363 (VCV000454363.13), dbSNP rs730880764, ClinGen allele CA389045821.